The following is an entry in ClinVar:

ClinVar aggregate classification (germline): Uncertain significance. Review status: criteria provided, multiple submitters, no conflicts (2 of 4 stars). 2 submissions from 2 submitters: Uncertain significance (2). Last evaluated 2026-01-26.

Conditions:
Deafness-lymphedema-leukemia syndrome. Also called: Lymphedema, primary, with myelodysplasia; Emberger syndrome. Identifiers: Orphanet 3226, MedGen C3279664, MONDO:0013540, OMIM 614038.
Monocytopenia with susceptibility to infections. Also called: IMMUNODEFICIENCY 21; GATA2 DEFICIENCY; MONOCYTOPENIA WITH SUSCEPTIBILITY TO MYCOBACTERIAL, FUNGAL, AND PAPILLOMAVIRUS INFECTIONS AND MYELODYSPLASIA; COMBINED IMMUNODEFICIENCY WITH SUSCEPTIBILITY TO MYCOBACTERIAL, VIRAL, AND FUNGAL INFECTIONS; MONOCYTOPENIA AND MYCOBACTERIAL INFECTION SYNDROME; Dendritic cell, monocyte, B lymphocyte, and natural killer lymphocyte deficiency. Identifiers: Orphanet 228423, MedGen C3280030, MONDO:0013607, OMIM 614172.
Inborn genetic diseases. Identifiers: MedGen C0950123, MeSH D030342.

Allele frequency attached by ClinVar (database versions not stated): gnomAD exomes 0.00002.
gnomAD v4.1: 19 of 1,613,544 alleles (0.0012%); highest among the groups gnomAD compares: Non-Finnish European, 0.0016%; no homozygotes.

Submissions (2):

Ambry Genetics
Classification: Uncertain significance for Inborn genetic diseases. Last evaluated: 2026-01-26. Review status: criteria provided, single submitter. Criteria: Ambry Variant Classification Scheme 2023. Collection method: clinical testing. Allele origin: germline.
Comment: The c.1143T>C variant (also known as p.N381N), located in coding exon 4 of the GATA2 gene, results from a T to C substitution at nucleotide position 1143. This nucleotide substitution does not change the amino acid at codon 381. However, this change occurs in the last base pair of coding exon 4, which makes it likely to have some effect on normal mRNA splicing. This nucleotide position is not well conserved in available vertebrate species. In silico splice site analysis predicts that this alteration will not have any significant effect on splicing. Based on the available evidence, the clinical significance of this variant remains unclear.

Labcorp Genetics (formerly Invitae), Labcorp
Classification: Uncertain significance for Monocytopenia with susceptibility to infections; Deafness-lymphedema-leukemia syndrome. Last evaluated: 2025-11-04. Review status: criteria provided, single submitter. Criteria: Invitae Variant Classification Sherloc (09022015). Collection method: clinical testing. Allele origin: germline.
Comment: This sequence change affects codon 381 of the GATA2 mRNA. It is a 'silent' change, meaning that it does not change the encoded amino acid sequence of the GATA2 protein. It affects a nucleotide within the consensus splice site. This variant is not present in population databases (gnomAD no frequency). This variant has not been reported in the literature in individuals affected with GATA2-related conditions. ClinVar contains an entry for this variant (Variation ID: 661427). Algorithms developed to predict the effect of sequence changes on RNA splicing suggest that this variant is not likely to affect RNA splicing. In summary, the available evidence is currently insufficient to determine the role of this variant in disease. Therefore, it has been classified as a Variant of Uncertain Significance.

NM_032638.5(GATA2):c.1143T>C (p.Asn381=)

Gene: GATA2 (GATA binding protein 2; minus strand). Cytogenetic location: 3q21.3.
Variant type: single nucleotide variant.
Coding change: c.1143T>C on transcript NM_032638.5 (MANE Select); coding-DNA position 1143, T replaced by C.
Protein change: p.Asn381=; no amino-acid change (asparagine 381 retained).
Molecular consequence: synonymous variant.
Genome position (GRCh38, 1-based): chr3:128,481,819, A>G on the plus strand (T>C on the coding strand, the complement: GATA2 is on the minus strand). VCF-style: chr3-128481819-A-G. GRCh37 (hg19) VCF-style: chr3-128200662-A-G.
Other names: c.1143T>C, p.Asn381= (NM_001145661.2); c.1101T>C, p.Asn367= (NM_001145662.1).
Identifiers: ClinVar variation 661427 (VCV000661427.11), dbSNP rs1576745111, ClinGen allele CA435525512.